The following is an entry in ClinVar:

NM_001267550.2(TTN):c.57570_57576dup (p.Ala19193fs)

Genes: TTN-AS1 (TTN antisense RNA 1; plus strand), TTN (titin; minus strand). Cytogenetic location: 2q31.2.
Variant type: Duplication.
Coding change: c.57570_57576dup on transcript NM_001267550.2 (MANE Select); coding-DNA positions 57570 to 57576, 7 bases duplicated (ATTCCTA; older notation c.57570_57576dupATTCCTA).
Protein change: p.Ala19193fs; shifts the reading frame from alanine 19193.
Molecular consequence: frameshift variant.
Genome position (GRCh38, 1-based): chr2:178,595,778-178,595,784, TAGGAAT duplicated on the plus strand (ATTCCTA on the coding strand, the reverse complement: TTN is on the minus strand). VCF-style (leftmost placement, unchanged base first): chr2-178595777-C-CTAGGAAT. GRCh37 (hg19) VCF-style: chr2-179460504-C-CTAGGAAT.
Other names: c.52647_52653dup, p.Ala17552fs (NM_001256850.1); c.30375_30381dup, p.Ala10128fs (NM_003319.4); c.49866_49872dup, p.Ala16625fs (NM_133378.4); c.30750_30756dup, p.Ala10253fs (NM_133432.3); c.30951_30957dup, p.Ala10320fs (NM_133437.4); short protein forms A10128fs, A10253fs, A10320fs, A16625fs, A17552fs, A19193fs.
Identifiers: ClinVar variation 3759960 (VCV003759960.2).

ClinVar aggregate classification (germline): Likely pathogenic (1 of 4 stars; one submission).

Conditions:
Dilated cardiomyopathy 1G (CMD1G). Identifiers: Orphanet 154, MedGen C1858763, MONDO:0011400, OMIM 604145.
Autosomal recessive limb-girdle muscular dystrophy type 2J (LGMDR10). Also called: Limb-girdle muscular dystrophy, type 2J; MUSCULAR DYSTROPHY, LIMB-GIRDLE, AUTOSOMAL RECESSIVE 10. Identifiers: Orphanet 140922, MedGen C1837342, MONDO:0012127, OMIM 608807.

Submission:

Labcorp Genetics (formerly Invitae), Labcorp
Classification: Likely pathogenic for Dilated cardiomyopathy 1G; Autosomal recessive limb-girdle muscular dystrophy type 2J. Last evaluated: 2025-02-18. Review status: criteria provided, single submitter. Criteria: Invitae Variant Classification Sherloc (09022015). Collection method: clinical testing. Allele origin: germline.
Comment: This sequence change creates a premature translational stop signal (p.Ala19193Ilefs*9) in the TTN gene. While this is not anticipated to result in nonsense mediated decay, it is expected to create a truncated TTN protein. This variant is not present in population databases (gnomAD no frequency). This variant has not been reported in the literature in individuals affected with TTN-related conditions. This variant is located in the A band of TTN (PMID: 25589632). Truncating variants in this region are significantly overrepresented in patients affected with dilated cardiomyopathy (PMID: 25589632). Truncating variants in this region have also been reported in individuals affected with autosomal recessive centronuclear myopathy (PMID: 23975875). In summary, the currently available evidence indicates that the variant is pathogenic, but additional data are needed to prove that conclusively. Therefore, this variant has been classified as Likely Pathogenic.

Literature cited by the submitters: PubMed 25589632; PubMed 23975875.